The following is an entry in ClinVar:

ClinVar aggregate classification (germline): Uncertain significance. Review status: criteria provided, multiple submitters, no conflicts (2 of 4 stars). 2 submissions from 2 submitters: Uncertain significance (2). Last evaluated 2024-03-16.

Allele frequency attached by ClinVar (database versions not stated): gnomAD exomes below 0.00001; gnomAD 0.00001; TOPMed 0.00002.
gnomAD v4.1: 3 of 1,613,788 alleles (0.00019%); highest among the groups gnomAD compares: Admixed American, 0.0033%; no homozygotes.

Submissions (2):

Labcorp Genetics (formerly Invitae), Labcorp
Classification: Uncertain significance. Last evaluated: 2024-03-16. Review status: criteria provided, single submitter. Criteria: Invitae Variant Classification Sherloc (09022015). Collection method: clinical testing. Allele origin: germline.
Comment: This sequence change replaces glycine, which is neutral and non-polar, with serine, which is neutral and polar, at codon 22 of the FOXP1 protein (p.Gly22Ser). This variant is present in population databases (rs794727811, gnomAD no frequency). This variant has not been reported in the literature in individuals affected with FOXP1-related conditions. ClinVar contains an entry for this variant (Variation ID: 198274). Advanced modeling of protein sequence and biophysical properties (such as structural, functional, and spatial information, amino acid conservation, physicochemical variation, residue mobility, and thermodynamic stability) has been performed at Invitae for this missense variant, however the output from this modeling did not meet the statistical confidence thresholds required to predict the impact of this variant on FOXP1 protein function. In summary, the available evidence is currently insufficient to determine the role of this variant in disease. Therefore, it has been classified as a Variant of Uncertain Significance.

Eurofins Ntd Llc (ga)
Classification: Uncertain significance. Last evaluated: 2015-01-06. Review status: criteria provided, single submitter. Criteria: EGL Classification Definitions 2015. Collection method: clinical testing. Allele origin: germline. Observed: 1 variant allele, 1 heterozygote.

NM_001349338.3(FOXP1):c.64G>A (p.Gly22Ser)

Gene: FOXP1 (forkhead box P1; minus strand). Cytogenetic location: 3p13.
Variant type: single nucleotide variant.
Coding change: c.64G>A on transcript NM_001349338.3 (MANE Select); coding-DNA position 64, G replaced by A.
Protein change: p.Gly22Ser; replaces glycine 22 with serine.
Molecular consequence: missense variant. On other transcripts: non-coding transcript variant (2).
Genome position (GRCh38, 1-based): chr3:71,198,318, C>T on the plus strand (G>A on the coding strand, the complement: FOXP1 is on the minus strand). VCF-style: chr3-71198318-C-T. GRCh37 (hg19) VCF-style: chr3-71247469-C-T.
Other names: c.64G>A, p.Gly22Ser (NM_001012505.2, NM_001244808.3, NM_001244810.2 and 6 more transcripts); short protein forms G22S.
Identifiers: ClinVar variation 198274 (VCV000198274.9), dbSNP rs794727811, ClinGen allele CA246831.